The following is an entry in ClinVar:

NM_001303052.2(MYT1L):c.3074A>G (p.His1025Arg)

Gene: MYT1L (myelin transcription factor 1 like; minus strand). Cytogenetic location: 2p25.3.
Variant type: single nucleotide variant.
Coding change: c.3074A>G on transcript NM_001303052.2 (MANE Select); coding-DNA position 3074, A replaced by G.
Protein change: p.His1025Arg; replaces histidine 1025 with arginine.
Molecular consequence: missense variant.
Genome position (GRCh38, 1-based): chr2:1,839,155, T>C on the plus strand (A>G on the coding strand, the complement: MYT1L is on the minus strand). VCF-style: chr2-1839155-T-C. GRCh37 (hg19) VCF-style: chr2-1842927-T-C.
Other names: c.3074A>G, p.His1025Arg (NM_001329844.2, NM_001329845.1, NM_001329851.3); c.3068A>G, p.His1023Arg (NM_001329846.3, NM_001329847.2, NM_001329848.1 and 3 more transcripts); short protein forms H1023R, H1025R.
Identifiers: ClinVar variation 4756101 (VCV004756101.1).
Genomic context (GRCh38, chr2:1,839,155, plus strand): 5'-GTCGGCTCTCGGCGGCACCATCCCAGCCAGGGTCCCGCAGACGCGGCCACTCACCTGCGG[T>C]GTGTGAGGAAGCTGCCGCTGACGTGGCCTGAGCCGTCGCATCCTGGCGTGGGGCAGGACA-3'
Protein context (NP_001289981.1, residues 1015-1035): SGHVSGSFLT[His1025Arg]RSLSGCPRAT

ClinVar aggregate classification (germline): Uncertain significance (1 of 4 stars; one submission).

Submission:

GeneDx
Classification: Uncertain significance. Last evaluated: 2025-08-05. Review status: criteria provided, single submitter. Criteria: GeneDx Variant Classification Process June 2021. Collection method: clinical testing. Allele origin: germline. Affected: yes.
Comment: Not observed at significant frequency in large population cohorts (gnomAD); In silico analysis supports that this missense variant has a deleterious effect on protein structure/function; Has not been previously published as pathogenic or benign to our knowledge